The following is an entry in ClinVar:

ClinVar aggregate classification (germline): Likely benign (1 of 4 stars; one submission).

Submission:

CeGaT Center for Human Genetics Tuebingen
Classification: Likely benign. Last evaluated: 2026-04-01. Review status: criteria provided, single submitter. Criteria: CeGaT Center For Human Genetics Tuebingen Variant Classification Criteria Version 2. Collection method: clinical testing. Allele origin: germline. Affected: yes. Observed: 1 variant allele.
Comment: KLF18: BP4, BP7

NM_001358438.1(KLF18):c.1212G>A (p.Gly404=)

Gene: KLF18 (KLF transcription factor 18; minus strand). Cytogenetic location: 1p34.1.
Variant type: single nucleotide variant.
Coding change: c.1212G>A on transcript NM_001358438.1 (MANE Select); coding-DNA position 1212, G replaced by A.
Protein change: p.Gly404=; no amino-acid change (glycine 404 retained).
Molecular consequence: synonymous variant.
Genome position (GRCh38, 1-based): chr1:44,140,420, C>T on the plus strand (G>A on the coding strand, the complement: KLF18 is on the minus strand). VCF-style: chr1-44140420-C-T. GRCh37 (hg19) VCF-style: chr1-44606092-C-T.
Identifiers: ClinVar variation 4874036 (VCV004874036.2).
Genomic context (GRCh38, chr1:44,140,420, plus strand): 5'-AGTGGAGGTCATCACTTGCTCTCCACAGAGGTTCTGGTTACCAGTGGAGGTCATCATCTG[C>T]CCCCAGTAGAGGGTCTGGTTACCAGTGGAGGTCATCATCTGCCCCCCATAGAGGTTCTGG-3'
Protein context (NP_001345367.1, residues 394-414): TSTGNQTLYW[Gly404=]QMMTSTGNQN